The following is an entry in ClinVar:

NM_004304.5(ALK):c.4758C>A (p.Tyr1586Ter)

Gene: ALK (ALK receptor tyrosine kinase; minus strand). Cytogenetic location: 2p23.2.
Variant type: single nucleotide variant.
Coding change: c.4758C>A on transcript NM_004304.5 (MANE Select); coding-DNA position 4758, C replaced by A.
Protein change: p.Tyr1586Ter; replaces tyrosine 1586 with a stop codon.
Molecular consequence: nonsense.
Genome position (GRCh38, 1-based): chr2:29,193,329, G>T on the plus strand (C>A on the coding strand, the complement: ALK is on the minus strand). VCF-style: chr2-29193329-G-T. GRCh37 (hg19) VCF-style: chr2-29416195-G-T.
Other names: c.1554C>A, p.Tyr518Ter (NM_001353765.2); short protein forms Y1586*, Y518*.
Identifiers: ClinVar variation 3524807 (VCV003524807.2).

ClinVar aggregate classification (germline): Uncertain significance (1 of 4 stars; one submission).

Conditions:
Hereditary cancer-predisposing syndrome. Also called: Hereditary neoplastic syndrome; Neoplastic Syndromes, Hereditary; Tumor predisposition; Hereditary Cancer Syndrome. Identifiers: Orphanet 140162, MedGen C0027672, MeSH D009386, MONDO:0015356.

Submission:

Ambry Genetics
Classification: Uncertain significance for Hereditary cancer-predisposing syndrome. Last evaluated: 2026-08-04. Review status: criteria provided, single submitter. Criteria: Ambry Variant Classification Scheme 2023. Collection method: clinical testing. Allele origin: germline.
Comment: The p.Y1586* variant (also known as c.4758C>A), located in coding exon 29 of the ALK gene, results from a C to A substitution at nucleotide position 4758. This changes the amino acid from a tyrosine to a stop codon within coding exon 29. This variant occurs at the 3' terminus of the gene and is not expected to trigger nonsense-mediated mRNA decay. Based on the available evidence, the clinical significance of this variant remains unclear.